The following is an entry in ClinVar:

ClinVar aggregate classification (germline): Uncertain significance (1 of 4 stars; one submission).

Conditions:
Noonan syndrome (NS). Also called: Noonan's syndrome. Identifiers: Orphanet 648, MedGen C0028326, MeSH D009634, MONDO:0018997. Disease mechanism: gain of function.

Submission:

St. Jude Molecular Pathology, St. Jude Children's Research Hospital
Classification: Uncertain significance for Noonan syndrome. Last evaluated: 2026-10-01. Review status: criteria provided, single submitter. Criteria: St. Jude Assertion Criteria 2020. Collection method: clinical testing. Allele origin: germline.
Comment: The RRAS2 c.579A>C p.(Glu193Asp) missense change has a maximum subpopulation frequency of 0.003% in gnomAD v2.1.1. The in silico tool REVEL predicts a benign effect on protein function, but to our knowledge this prediction has not been confirmed by functional studies. To our knowledge, this variant has not been reported in individuals with Noonan syndrome. In summary, the evidence currently available is insufficient to determi ne the clinical significance of this variant. It has therefore been classified as of uncertain significance.

NM_012250.6(RRAS2):c.579A>C (p.Glu193Asp)

Gene: RRAS2 (RAS related 2; minus strand). Cytogenetic location: 11p15.2.
Variant type: single nucleotide variant.
Coding change: c.579A>C on transcript NM_012250.6 (MANE Select); coding-DNA position 579, A replaced by C.
Protein change: p.Glu193Asp; replaces glutamic acid 193 with aspartic acid.
Molecular consequence: missense variant.
Genome position (GRCh38, 1-based): chr11:14,279,373, T>G on the plus strand (A>C on the coding strand, the complement: RRAS2 is on the minus strand). VCF-style: chr11-14279373-T-G. GRCh37 (hg19) VCF-style: chr11-14300919-T-G.
Other names: c.348A>C, p.Glu116Asp (NM_001102669.3, NM_001177315.2, NM_001440712.1 and 3 more transcripts); c.474A>C, p.Glu158Asp (NM_001177314.2); c.717A>C, p.Glu239Asp (NM_001440708.1); c.486A>C, p.Glu162Asp (NM_001440709.1, NM_001440710.1); c.483A>C, p.Glu161Asp (NM_001440711.1); short protein forms E116D, E158D, E161D, E162D, E193D, E239D.
Identifiers: ClinVar variation 5038393 (VCV005038393.1).